The following is an entry in ClinVar:

ClinVar aggregate classification (germline): Uncertain significance (1 of 4 stars; one submission).

Allele frequency attached by ClinVar (database versions not stated): gnomAD exomes below 0.00001; ExAC 0.00001; gnomAD 0.00001; TOPMed 0.00001.
gnomAD v4.1: 2 of 1,614,080 alleles (0.00012%); highest among the groups gnomAD compares: Admixed American, 0.0033%; no homozygotes.

Submission:

Labcorp Genetics (formerly Invitae), Labcorp
Classification: Uncertain significance. Last evaluated: 2022-08-26. Review status: criteria provided, single submitter. Criteria: Invitae Variant Classification Sherloc (09022015). Collection method: clinical testing. Allele origin: germline.
Comment: This sequence change replaces valine, which is neutral and non-polar, with methionine, which is neutral and non-polar, at codon 818 of the NPHS1 protein (p.Val818Met). This variant is present in population databases (rs770035563, gnomAD 0.003%). This missense change has been observed in individual(s) with clinical features of NPHS1-related conditions (Invitae). In at least one individual the data is consistent with being in trans (on the opposite chromosome) from a pathogenic variant. Advanced modeling of protein sequence and biophysical properties (such as structural, functional, and spatial information, amino acid conservation, physicochemical variation, residue mobility, and thermodynamic stability) performed at Invitae indicates that this missense variant is not expected to disrupt NPHS1 protein function. In summary, the available evidence is currently insufficient to determine the role of this variant in disease. Therefore, it has been classified as a Variant of Uncertain Significance.

NM_004646.4(NPHS1):c.2452G>A (p.Val818Met)

Gene: NPHS1 (NPHS1 adhesion molecule, nephrin; minus strand). Cytogenetic location: 19q13.12.
Variant type: single nucleotide variant.
Coding change: c.2452G>A on transcript NM_004646.4 (MANE Select); coding-DNA position 2452, G replaced by A.
Protein change: p.Val818Met; replaces valine 818 with methionine.
Molecular consequence: missense variant.
Genome position (GRCh38, 1-based): chr19:35,842,433, C>T on the plus strand (G>A on the coding strand, the complement: NPHS1 is on the minus strand). VCF-style: chr19-35842433-C-T. GRCh37 (hg19) VCF-style: chr19-36333335-C-T.
Other names: short protein forms V818M.
Identifiers: ClinVar variation 1986500 (VCV001986500.4), dbSNP rs770035563, ClinGen allele CA9390132.